The following is an entry in ClinVar:

NM_014159.7(SETD2):c.1622G>C (p.Arg541Pro)

Gene: SETD2 (SET domain containing 2, histone lysine methyltransferase; minus strand). Cytogenetic location: 3p21.31.
Variant type: single nucleotide variant.
Coding change: c.1622G>C on transcript NM_014159.7 (MANE Select); coding-DNA position 1622, G replaced by C.
Protein change: p.Arg541Pro; replaces arginine 541 with proline.
Molecular consequence: missense variant. On other transcripts: non-coding transcript variant (1).
Genome position (GRCh38, 1-based): chr3:47,123,014, C>G on the plus strand (G>C on the coding strand, the complement: SETD2 is on the minus strand). VCF-style: chr3-47123014-C-G. GRCh37 (hg19) VCF-style: chr3-47164504-C-G.
Other names: c.1490G>C, p.Arg497Pro (NM_001349370.3); short protein forms R541P, R497P.
Identifiers: ClinVar variation 796585 (VCV000796585.11), dbSNP rs144677816, ClinGen allele CA352529763.

ClinVar aggregate classification (germline): Conflicting classifications of pathogenicity. Review status: criteria provided, conflicting classifications (1 of 4 stars). 2 submissions from 2 submitters: Uncertain significance (1); Likely benign (1). Last evaluated 2025-05-30.

Conditions:
Luscan-Lumish syndrome. Identifiers: Orphanet 597738, MedGen C4085873, MONDO:0014791, OMIM 616831.

gnomAD v4.1: 1 of 1,614,002 alleles (0.000062%); highest among the groups gnomAD compares: Non-Finnish European, 0.000085%; no homozygotes.

Submissions (2):

GeneDx
Classification: Uncertain significance. Last evaluated: 2025-05-30. Review status: criteria provided, single submitter. Criteria: GeneDx Variant Classification Process June 2021. Collection method: clinical testing. Allele origin: germline.
Comment: Not observed at significant frequency in large population cohorts (gnomAD); In silico analysis supports that this missense variant has a deleterious effect on protein structure/function; Has not been previously published as pathogenic or benign to our knowledge

Labcorp Genetics (formerly Invitae), Labcorp
Classification: Likely benign for Luscan-Lumish syndrome. Last evaluated: 2022-11-22. Review status: criteria provided, single submitter. Criteria: Invitae Variant Classification Sherloc (09022015). Collection method: clinical testing. Allele origin: germline.